The following is an entry in ClinVar:

NM_000238.4(KCNH2):c.3365dup (p.Ala1124fs)

Gene: KCNH2 (potassium voltage-gated channel subfamily H member 2; minus strand). Cytogenetic location: 7q36.1.
Variant type: Duplication.
Coding change: c.3365dup on transcript NM_000238.4 (MANE Select); coding-DNA position 3365, one base duplicated (C; older notation c.3365dupC).
Protein change: p.Ala1124fs; shifts the reading frame from alanine 1124.
Molecular consequence: frameshift variant.
Genome position (GRCh38, 1-based): chr7:150,945,480, G duplicated on the plus strand (C on the coding strand, the reverse complement: KCNH2 is on the minus strand); the first of 5 consecutive G bases (chr7:150,945,480-150,945,484); duplicating any one gives the same sequence. VCF-style (leftmost placement, unchanged base first): chr7-150945479-C-CG. GRCh37 (hg19) VCF-style: chr7-150642567-C-CG.
Other names: c.2345dup, p.Ala784fs (NM_172057.3); short protein forms A1124fs, A784fs.
Identifiers: ClinVar variation 945617 (VCV000945617.10), dbSNP rs1800857447, ClinGen allele CA1139660326.

ClinVar aggregate classification (germline): Conflicting classifications of pathogenicity. Review status: criteria provided, conflicting classifications (1 of 4 stars). 2 submissions from 2 submitters: Likely pathogenic (1); Uncertain significance (1). Last evaluated 2021-05-21.

Conditions:
Long QT syndrome (LQTS). Identifiers: MedGen C0023976, MeSH D008133, MONDO:0002442. Disease mechanism: loss of function. Inheritance: Various modes of inheritance.

Submissions (2):

GeneDx
Classification: Uncertain significance. Last evaluated: 2021-05-21. Review status: criteria provided, single submitter. Criteria: GeneDx Variant Classification Process June 2021. Collection method: clinical testing. Allele origin: germline. Affected: yes.
Comment: Not observed in large population cohorts (Lek et al., 2016); Frameshift variant predicted to result in protein truncation as the last 36 amino acids are replaced with 145 different amino acids, although loss-of-function variants have not been reported downstream of this position in the protein; This variant is associated with the following publications: (PMID: 15572050)

Labcorp Genetics (formerly Invitae), Labcorp
Classification: Likely pathogenic for Long QT syndrome. Last evaluated: 2019-06-10. Review status: criteria provided, single submitter. Criteria: Invitae Variant Classification Sherloc (09022015). Collection method: clinical testing. Allele origin: germline.
Comment: In summary, the currently available evidence indicates that the variant is pathogenic, but additional data are needed to prove that conclusively. Therefore, this variant has been classified as Likely Pathogenic. This variant has been reported to affect KCNH2 protein function (PMID: 15572050). This variant has been observed in individuals affected with long QT syndrome (PMID: 15572050, Invitae). This variant is also known in the literature as 1122fs/147. This variant is not present in population databases (ExAC no frequency). This sequence change results in a premature translational stop signal in the KCNH2 gene (p.Ala1124Glyfs*146). While this is not anticipated to result in nonsense mediated decay, it is expected to disrupt the last 36 amino acids of the KCNH2 protein.

Literature cited by the submitters: PubMed 15572050 (cited by Labcorp Genetics (formerly Invitae), Labcorp).